The following is an entry in ClinVar:

ClinVar aggregate classification (germline): Uncertain significance (1 of 4 stars; one submission).

Submission:

Labcorp Genetics (formerly Invitae), Labcorp
Classification: Uncertain significance. Last evaluated: 2022-01-17. Review status: criteria provided, single submitter. Criteria: Invitae Variant Classification Sherloc (09022015). Collection method: clinical testing. Allele origin: germline.
Comment: This variant is not present in population databases (gnomAD no frequency). This sequence change replaces glycine, which is neutral and non-polar, with serine, which is neutral and polar, at codon 357 of the IRF9 protein (p.Gly357Ser). This variant has not been reported in the literature in individuals affected with IRF9-related conditions. Algorithms developed to predict the effect of missense changes on protein structure and function output the following: SIFT: "Tolerated"; PolyPhen-2: "Benign"; Align-GVGD: "Class C0". The serine amino acid residue is found in multiple mammalian species, which suggests that this missense change does not adversely affect protein function. In summary, the available evidence is currently insufficient to determine the role of this variant in disease. Therefore, it has been classified as a Variant of Uncertain Significance.

NM_006084.5(IRF9):c.1069G>A (p.Gly357Ser)

Gene: IRF9 (interferon regulatory factor 9; plus strand). Cytogenetic location: 14q12.
Variant type: single nucleotide variant.
Coding change: c.1069G>A on transcript NM_006084.5 (MANE Select); coding-DNA position 1069, G replaced by A.
Protein change: p.Gly357Ser; replaces glycine 357 with serine.
Molecular consequence: missense variant. On other transcripts: nonsense (2).
Genome position (GRCh38, 1-based): chr14:24,165,924, G>A. VCF-style: chr14-24165924-G-A. GRCh37 (hg19) VCF-style: chr14-24635133-G-A.
Other names: c.1223G>A, p.Trp408Ter (NM_001385400.1); c.1096G>A, p.Gly366Ser (NM_001385401.1); c.806G>A, p.Trp269Ter (NM_001385402.1); short protein forms W269*, G357S, W408*, G366S.
Identifiers: ClinVar variation 2086597 (VCV002086597.4), dbSNP rs1274683720, ClinGen allele CA389215412.